The following is an entry in ClinVar:

ClinVar aggregate classification (germline): Uncertain significance (1 of 4 stars; one submission).

Conditions:
Gastrointestinal stromal tumor. Also called: Gastrointestinal stromal tumor, somatic; Gastrointestinal stroma tumor. Identifiers: Orphanet 44890, MedGen C0238198, MeSH D046152, MONDO:0011719, OMIM 606764, HP:0100723.

Allele frequency attached by ClinVar (database versions not stated): gnomAD exomes below 0.00001.
gnomAD v4.1: 2 of 1,614,178 alleles (0.00012%); highest among the groups gnomAD compares: Non-Finnish European, 0.00017%; no homozygotes.

Submission:

Labcorp Genetics (formerly Invitae), Labcorp
Classification: Uncertain significance for Gastrointestinal stromal tumor. Last evaluated: 2020-09-23. Review status: criteria provided, single submitter. Criteria: Invitae Variant Classification Sherloc (09022015). Collection method: clinical testing. Allele origin: germline.
Comment: In summary, the available evidence is currently insufficient to determine the role of this variant in disease. Therefore, it has been classified as a Variant of Uncertain Significance. Algorithms developed to predict the effect of missense changes on protein structure and function (SIFT, PolyPhen-2, Align-GVGD) all suggest that this variant is likely to be tolerated, but these predictions have not been confirmed by published functional studies and their clinical significance is uncertain. This variant has not been reported in the literature in individuals with PDGFRA-related conditions. This variant is not present in population databases (ExAC no frequency). This sequence change replaces isoleucine with methionine at codon 258 of the PDGFRA protein (p.Ile258Met). The isoleucine residue is moderately conserved and there is a small physicochemical difference between isoleucine and methionine.

NM_006206.6(PDGFRA):c.774C>G (p.Ile258Met)

Gene: PDGFRA (platelet derived growth factor receptor alpha; plus strand). Cytogenetic location: 4q12.
Variant type: single nucleotide variant.
Coding change: c.774C>G on transcript NM_006206.6 (MANE Select); coding-DNA position 774, C replaced by G.
Protein change: p.Ile258Met; replaces isoleucine 258 with methionine.
Molecular consequence: missense variant.
Genome position (GRCh38, 1-based): chr4:54,267,303, C>G. VCF-style: chr4-54267303-C-G. GRCh37 (hg19) VCF-style: chr4-55133470-C-G.
Other names: c.774C>G, p.Ile258Met (NM_001347827.2, NM_001347829.2); c.849C>G, p.Ile283Met (NM_001347828.2); c.813C>G, p.Ile271Met (NM_001347830.2); short protein forms I258M, I271M, I283M.
Identifiers: ClinVar variation 1002614 (VCV001002614.9), dbSNP rs1723080437, ClinGen allele CA356891081.